The following is an entry in ClinVar:

NM_152641.4(ARID2):c.246T>G (p.Cys82Trp)

Gene: ARID2 (AT-rich interaction domain 2; plus strand). Cytogenetic location: 12q12.
Variant type: single nucleotide variant.
Coding change: c.246T>G on transcript NM_152641.4 (MANE Select); coding-DNA position 246, T replaced by G.
Protein change: p.Cys82Trp; replaces cysteine 82 with tryptophan.
Molecular consequence: missense variant.
Genome position (GRCh38, 1-based): chr12:45,731,276, T>G. VCF-style: chr12-45731276-T-G. GRCh37 (hg19) VCF-style: chr12-46125059-T-G.
Other names: c.246T>G, p.Cys82Trp (NM_001347839.2); short protein forms C82W.
Identifiers: ClinVar variation 546704 (VCV000546704.43), dbSNP rs1555139562, ClinGen allele CA384609452.

ClinVar aggregate classification (germline): Uncertain significance (1 of 4 stars; one submission).

Submission:

CeGaT Center for Human Genetics Tuebingen
Classification: Uncertain significance. Last evaluated: 2025-11-01. Review status: criteria provided, single submitter. Criteria: CeGaT Center For Human Genetics Tuebingen Variant Classification Criteria Version 2. Collection method: clinical testing. Allele origin: germline. Affected: yes. Observed: 2 variant alleles.
Comment: ARID2: PM2